The following is an entry in ClinVar:

ClinVar aggregate classification (germline): Uncertain significance. Review status: criteria provided, multiple submitters, no conflicts (2 of 4 stars). 2 submissions from 2 submitters: Uncertain significance (2). Last evaluated 2026-04-14.

Allele frequency attached by ClinVar (database versions not stated): TOPMed below 0.00001; gnomAD exomes below 0.00001.
gnomAD v4.1: 4 of 1,613,018 alleles (0.00025%); highest among the groups gnomAD compares: African/African-American, 0.0013%; no homozygotes.

Submissions (2):

Dasa
Classification: Uncertain significance. Last evaluated: 2026-04-14. Review status: criteria provided, single submitter. Criteria: DASA Assertion Criteria. Collection method: clinical testing. Allele origin: germline.
Comment: NM_001384732.1(CPLANE1):c.4796C>A (p.Thr1599Lys) is a missense variant that results in the substitution of threonine with lysine. This variant is rare in population databases. The currently available literature and clinical evidence are not sufficient to establish a definitive association between this variant and the reported condition. Therefore, this variant is classified as a variant of uncertain significance.

Labcorp Genetics (formerly Invitae), Labcorp
Classification: Uncertain significance. Last evaluated: 2022-08-12. Review status: criteria provided, single submitter. Criteria: Invitae Variant Classification Sherloc (09022015). Collection method: clinical testing. Allele origin: germline.
Comment: In summary, the available evidence is currently insufficient to determine the role of this variant in disease. Therefore, it has been classified as a Variant of Uncertain Significance. Advanced modeling of protein sequence and biophysical properties (such as structural, functional, and spatial information, amino acid conservation, physicochemical variation, residue mobility, and thermodynamic stability) performed at Invitae indicates that this missense variant is expected to disrupt CPLANE1 protein function. ClinVar contains an entry for this variant (Variation ID: 1379874). This variant has not been reported in the literature in individuals affected with CPLANE1-related conditions. This variant is present in population databases (no rsID available, gnomAD 0.002%). This sequence change replaces threonine, which is neutral and polar, with lysine, which is basic and polar, at codon 1599 of the CPLANE1 protein (p.Thr1599Lys).

NM_001384732.1(CPLANE1):c.4796C>A (p.Thr1599Lys)

Gene: CPLANE1 (ciliogenesis and planar polarity effector complex subunit 1; minus strand). Cytogenetic location: 5p13.2.
Variant type: single nucleotide variant.
Coding change: c.4796C>A on transcript NM_001384732.1 (MANE Select); coding-DNA position 4796, C replaced by A.
Protein change: p.Thr1599Lys; replaces threonine 1599 with lysine.
Molecular consequence: missense variant.
Genome position (GRCh38, 1-based): chr5:37,183,385, G>T on the plus strand (C>A on the coding strand, the complement: CPLANE1 is on the minus strand). VCF-style: chr5-37183385-G-T. GRCh37 (hg19) VCF-style: chr5-37183487-G-T.
Other names: c.4796C>A, p.Thr1599Lys (NM_023073.4); short protein forms T1599K.
Identifiers: ClinVar variation 1379874 (VCV001379874.10), dbSNP rs1470084982, ClinGen allele CA359496121.